The following is an entry in ClinVar:

ClinVar aggregate classification (germline): Likely benign. Review status: criteria provided, single submitter (1 of 4 stars). 2 submissions from 2 submitters: Likely benign (1). 1 of the submissions does not count toward it. Last evaluated 2025-12-22.

Conditions:
PIGW-related disorder. Also called: PIGW-related condition.
Hyperphosphatasia with intellectual disability syndrome 5 (GPIBD11). Also called: GLYCOSYLPHOSPHATIDYLINOSITOL BIOSYNTHESIS DEFECT 11. Identifiers: Orphanet 247262, MedGen C4014958, MONDO:0014457, OMIM 616025.

Allele frequency attached by ClinVar (database versions not stated): gnomAD 0.00004; gnomAD exomes 0.00004 and 0.00017; ExAC 0.00006; TOPMed 0.00006.
gnomAD v4.1: 252 of 1,613,754 alleles (0.016%); highest among the groups gnomAD compares: Non-Finnish European, 0.021%; no homozygotes.

Submissions (2):

Labcorp Genetics (formerly Invitae), Labcorp
Classification: Likely benign for Hyperphosphatasia with intellectual disability syndrome 5. Last evaluated: 2025-12-22. Review status: criteria provided, single submitter. Criteria: Invitae Variant Classification Sherloc (09022015). Collection method: clinical testing. Allele origin: germline.

PreventionGenetics, part of Exact Sciences
Classification: Likely benign for PIGW-related condition. Last evaluated: 2019-02-27. Review status: no assertion criteria provided. Collection method: clinical testing. Allele origin: germline. Not counted in ClinVar's aggregate classification.
Comment: This variant is classified as likely benign based on ACMG/AMP sequence variant interpretation guidelines (Richards et al. 2015 PMID: 25741868, with internal and published modifications).

NM_001346754.2(PIGW):c.1065C>T (p.Tyr355=)

Genes: MYO19 (myosin XIX; minus strand), PIGW (phosphatidylinositol glycan anchor biosynthesis class W; plus strand). Cytogenetic location: 17q12.
Variant type: single nucleotide variant.
Coding change: c.1065C>T on transcript NM_001346754.2 (MANE Select); coding-DNA position 1065, C replaced by T.
Protein change: p.Tyr355=; no amino-acid change (tyrosine 355 retained).
Molecular consequence: synonymous variant.
Genome position (GRCh38, 1-based): chr17:36,538,166, C>T. VCF-style: chr17-36538166-C-T. GRCh37 (hg19) VCF-style: chr17-34894015-C-T.
Other names: c.1065C>T, p.Tyr355= (NM_001346755.2, NM_178517.5); c.1065C>T (NM_178517.4).
Identifiers: ClinVar variation 1586410 (VCV001586410.10), dbSNP rs776190334, ClinGen allele CA290116572.